The following is an entry in ClinVar:

ClinVar aggregate classification (germline): Pathogenic. Review status: reviewed by expert panel (3 of 4 stars). 6 submissions from 6 submitters: Pathogenic (1). 5 of the submissions do not count toward it. Last evaluated 2016-09-08.

Conditions:
Familial cancer of breast. Also called: Hereditary breast cancer; hereditary breast carcinoma; BREAST CANCER, FAMILIAL. Identifiers: Orphanet 227535, MedGen C0346153, MONDO:0016419, OMIM 114480. Disease mechanism: loss of function.
Breast-ovarian cancer, familial, susceptibility to, 1 (BROVCA1). Also called: OVARIAN CANCER, SUSCEPTIBILITY TO; BRCA1 Hereditary Breast and Ovarian Cancer. Identifiers: Orphanet 145, MedGen C2676676, MONDO:0011450, OMIM 604370. Disease mechanism: loss of function.
Pancreatic cancer, susceptibility to, 4. Identifiers: Orphanet 1333, MedGen C3280442, MONDO:0013685, OMIM 614320.
Fanconi anemia, complementation group S (FANCS). Identifiers: MedGen C4554406, MONDO:0054748, OMIM 617883.
Hereditary cancer-predisposing syndrome. Also called: Tumor predisposition; Neoplastic Syndromes, Hereditary; Hereditary Cancer Syndrome; Hereditary neoplastic syndrome. Identifiers: Orphanet 140162, MedGen C0027672, MeSH D009386, MONDO:0015356.

Submissions (6):

Evidence-based Network for the Interpretation of Germline Mutant Alleles (ENIGMA)
Classification: Pathogenic for Breast-ovarian cancer, familial, susceptibility to, 1. Last evaluated: 2016-09-08. Review status: reviewed by expert panel. Criteria: ENIGMA BRCA1/2 Classification Criteria (2015). Collection method: curation. Allele origin: germline.
Comment: Variant allele predicted to encode a truncated non-functional protein.

Ambry Genetics
Classification: Pathogenic for Hereditary cancer-predisposing syndrome. Last evaluated: 2022-09-05. Review status: criteria provided, single submitter. Criteria: Ambry Variant Classification Scheme 2023. Collection method: clinical testing. Allele origin: germline. Not counted in ClinVar's aggregate classification.
Comment: The p.E1033* pathogenic mutation (also known as c.3097G>T), located in coding exon 9 of the BRCA1 gene, results from a G to T substitution at nucleotide position 3097. This changes the amino acid from a glutamic acid to a stop codon within coding exon 9. This alteration was identified in a cohort of unselected ovarian cancer patients from China (Li A et al. Gynecol. Oncol. 2018 10;151:145-152), as well as in a large, worldwide study of BRCA1/2 mutation positive families (Rebbeck TR et al. Hum. Mutat. 2018 05;39:593-620). In addition to the clinical data presented in the literature, this alteration is expected to result in loss of function by premature protein truncation or nonsense-mediated mRNA decay. As such, this alteration is interpreted as a disease-causing mutation.

Fulgent Genetics
Classification: Pathogenic for Familial cancer of breast; Breast-ovarian cancer, familial, susceptibility to, 1; Pancreatic cancer, susceptibility to, 4; Fanconi anemia, complementation group S. Last evaluated: 2018-10-31. Review status: criteria provided, single submitter. Criteria: ACMG Guidelines, 2015. Collection method: clinical testing. Allele origin: unknown. Not counted in ClinVar's aggregate classification.

Consortium of Investigators of Modifiers of BRCA1/2 (CIMBA), c/o University of Cambridge
Classification: Pathogenic for Breast-ovarian cancer, familial, susceptibility to, 1. Last evaluated: 2015-10-02. Review status: criteria provided, single submitter. Criteria: CIMBA Mutation Classification guidelines May 2016. Collection method: clinical testing. Allele origin: germline. Not counted in ClinVar's aggregate classification.

Sharing Clinical Reports Project (SCRP)
Classification: Pathogenic for Breast-ovarian cancer, familial 1. Last evaluated: 2010-11-10. Review status: no assertion criteria provided. Collection method: clinical testing. Allele origin: germline. Not counted in ClinVar's aggregate classification.

Breast Cancer Information Core (BIC) (BRCA1)
Classification: Pathogenic for Breast-ovarian cancer, familial 1. Last evaluated: 2000-06-12. Review status: no assertion criteria provided. Collection method: clinical testing. Allele origin: germline. Affected: yes. Observed: 2 variant alleles. Not counted in ClinVar's aggregate classification.

Literature cited by the submitters: PubMed 29446198 (cited by Ambry Genetics); PubMed 30078507 (cited by Ambry Genetics).

NM_007294.4(BRCA1):c.3097G>T (p.Glu1033Ter)

Gene: BRCA1 (BRCA1 DNA repair associated; minus strand). Cytogenetic location: 17q21.31.
Variant type: single nucleotide variant.
Coding change: c.3097G>T on transcript NM_007294.4 (MANE Select); coding-DNA position 3097, G replaced by T.
Protein change: p.Glu1033Ter; replaces glutamic acid 1033 with a stop codon.
Molecular consequence: nonsense. On other transcripts: intron variant (137).
Genome position (GRCh38, 1-based): chr17:43,092,434, C>A on the plus strand (G>T on the coding strand, the complement: BRCA1 is on the minus strand). VCF-style: chr17-43092434-C-A. GRCh37 (hg19) VCF-style: chr17-41244451-C-A.
Other names: 3216G>T; c.2884G>T, p.Glu962Ter (NM_001407571.1, NM_001407853.1, NM_001407894.1 and 9 more transcripts); c.3097G>T, p.Glu1033Ter (NM_001407581.1, NM_001407582.1, NM_001407583.1 and 30 more transcripts); c.3094G>T, p.Glu1032Ter (NM_001407587.1, NM_001407590.1, NM_001407591.1 and 22 more transcripts); c.3088G>T, p.Glu1030Ter (NM_001407646.1, NM_001407647.1); c.2974G>T, p.Glu992Ter (NM_001407648.1, NM_001407664.1, NM_001407665.1 and 19 more transcripts); c.2971G>T, p.Glu991Ter (NM_001407649.1, NM_001407670.1, NM_001407671.1 and 11 more transcripts); c.3019G>T, p.Glu1007Ter (NM_001407653.1, NM_001407654.1, NM_001407655.1 and 4 more transcripts); and 42 more; short protein forms E1033*, E986*, E1006*, E905*, E906*, E945*, E962*, E966*.
Identifiers: ClinVar variation 54769 (VCV000054769.8), dbSNP rs273899698, ClinGen allele CA002029.